The following is an entry in ClinVar:

ClinVar aggregate classification (germline): Likely benign. Review status: criteria provided, multiple submitters, no conflicts (2 of 4 stars). 3 submissions from 3 submitters: Likely benign (2). 1 of the submissions does not count toward it. Last evaluated 2026-05-01.

Conditions:
SLC16A1-related disorder. Also called: SLC16A1-related condition; SLC16A1-related disorders.

Allele frequency attached by ClinVar (database versions not stated): TOPMed 0.00008; gnomAD 0.00010 and 0.00018; ESP Exome Variant Server 0.00015; 1000 Genomes Project 30x 0.00031; gnomAD exomes 0.00033 and 0.00064; 1000 Genomes Project 0.00040; ExAC 0.00076.
gnomAD v4.1: 521 of 1,614,198 alleles (0.032%); highest among the groups gnomAD compares: South Asian, 0.4%; 1 homozygote.

Submissions (3):

CeGaT Center for Human Genetics Tuebingen
Classification: Likely benign. Last evaluated: 2026-05-01. Review status: criteria provided, single submitter. Criteria: CeGaT Center For Human Genetics Tuebingen Variant Classification Criteria Version 2. Collection method: clinical testing. Allele origin: germline. Affected: yes. Observed: 2 variant alleles.
Comment: SLC16A1: BP4

Labcorp Genetics (formerly Invitae), Labcorp
Classification: Likely benign. Last evaluated: 2026-01-06. Review status: criteria provided, single submitter. Criteria: Invitae Variant Classification Sherloc (09022015). Collection method: clinical testing. Allele origin: germline.

PreventionGenetics, part of Exact Sciences
Classification: Likely benign for SLC16A1-related condition. Last evaluated: 2020-08-13. Review status: no assertion criteria provided. Collection method: clinical testing. Allele origin: germline. Not counted in ClinVar's aggregate classification.
Comment: This variant is classified as likely benign based on ACMG/AMP sequence variant interpretation guidelines (Richards et al. 2015 PMID: 25741868, with internal and published modifications).

NM_003051.4(SLC16A1):c.303T>G (p.Ile101Met)

Gene: SLC16A1 (solute carrier family 16 member 1; minus strand). Cytogenetic location: 1p13.2.
Variant type: single nucleotide variant.
Coding change: c.303T>G on transcript NM_003051.4 (MANE Select); coding-DNA position 303, T replaced by G.
Protein change: p.Ile101Met; replaces isoleucine 101 with methionine.
Molecular consequence: missense variant.
Genome position (GRCh38, 1-based): chr1:112,922,048, A>C on the plus strand (T>G on the coding strand, the complement: SLC16A1 is on the minus strand). VCF-style: chr1-112922048-A-C. GRCh37 (hg19) VCF-style: chr1-113464670-A-C.
Other names: c.303T>G, p.Ile101Met (NM_001166496.2); short protein forms I101M.
Identifiers: ClinVar variation 758180 (VCV000758180.39), dbSNP rs148691598, ClinGen allele CA1011480.